The following is an entry in ClinVar:

ClinVar aggregate classification (germline): Uncertain significance. Review status: criteria provided, multiple submitters, no conflicts (2 of 4 stars). 3 submissions from 3 submitters: Uncertain significance (3). Last evaluated 2025-04-13.

Conditions:
Atrial fibrillation, familial, 7 (ATFB7). Identifiers: MedGen C2677106, MONDO:0012828, OMIM 612240.

Allele frequency attached by ClinVar (database versions not stated): gnomAD exomes below 0.00001.

Submissions (3):

Labcorp Genetics (formerly Invitae), Labcorp
Classification: Uncertain significance for Atrial fibrillation, familial, 7. Last evaluated: 2025-04-13. Review status: criteria provided, single submitter. Criteria: Invitae Variant Classification Sherloc (09022015). Collection method: clinical testing. Allele origin: germline.
Comment: This sequence change replaces arginine, which is basic and polar, with cysteine, which is neutral and slightly polar, at codon 283 of the KCNA5 protein (p.Arg283Cys). The frequency data for this variant in the population databases is considered unreliable, as metrics indicate poor data quality at this position in the gnomAD database. This variant has not been reported in the literature in individuals affected with KCNA5-related conditions. ClinVar contains an entry for this variant (Variation ID: 309337). An algorithm developed to predict the effect of missense changes on protein structure and function (PolyPhen-2) suggests that this variant is likely to be disruptive. In summary, the available evidence is currently insufficient to determine the role of this variant in disease. Therefore, it has been classified as a Variant of Uncertain Significance.

Fulgent Genetics
Classification: Uncertain significance for Atrial fibrillation, familial, 7. Last evaluated: 2021-12-23. Review status: criteria provided, single submitter. Criteria: ACMG Guidelines, 2015. Collection method: clinical testing. Allele origin: unknown.

Illumina Laboratory Services, Illumina
Classification: Uncertain significance for Atrial fibrillation, familial, 7. Last evaluated: 2018-01-12. Review status: criteria provided, single submitter. Criteria: ICSL Variant Classification Criteria 13 December 2019. Collection method: clinical testing. Allele origin: germline.

NM_002234.4(KCNA5):c.847C>T (p.Arg283Cys)

Gene: KCNA5 (potassium voltage-gated channel subfamily A member 5; plus strand). Cytogenetic location: 12p13.32.
Variant type: single nucleotide variant.
Coding change: c.847C>T on transcript NM_002234.4 (MANE Select); coding-DNA position 847, C replaced by T.
Protein change: p.Arg283Cys; replaces arginine 283 with cysteine.
Molecular consequence: missense variant.
Genome position (GRCh38, 1-based): chr12:5,044,994, C>T. VCF-style: chr12-5044994-C-T. GRCh37 (hg19) VCF-style: chr12-5154160-C-T.
Other names: short protein forms R283C.
Identifiers: ClinVar variation 309337 (VCV000309337.15), dbSNP rs886049575, ClinGen allele CA10641639.